The following is an entry in ClinVar:

NM_000548.5(TSC2):c.2678T>A (p.Ile893Lys)

Gene: TSC2 (TSC complex subunit 2; plus strand). Cytogenetic location: 16p13.3.
Variant type: single nucleotide variant.
Coding change: c.2678T>A on transcript NM_000548.5 (MANE Select); coding-DNA position 2678, T replaced by A.
Protein change: p.Ile893Lys; replaces isoleucine 893 with lysine.
Molecular consequence: missense variant.
Genome position (GRCh38, 1-based): chr16:2,076,106, T>A. VCF-style: chr16-2076106-T-A. GRCh37 (hg19) VCF-style: chr16-2126107-T-A.
Other names: c.2678T>A, p.Ile893Lys (NM_001077183.3, NM_001114382.3, NM_021055.3 and 6 more transcripts); c.2567T>A, p.Ile856Lys (NM_001318827.2, NM_001406670.1, NM_001406678.1); c.2768T>A, p.Ile923Lys (NM_001406668.1, NM_001406667.1); c.2666T>A, p.Ile889Lys (NM_001406671.1, NM_001406673.1); c.2531T>A, p.Ile844Lys (NM_001406675.1, NM_001406676.1, NM_001406679.1 and 1 more transcripts); c.2621T>A, p.Ile874Lys (NM_001406677.1); c.1334T>A, p.Ile445Lys (NM_001406690.1, NM_001406691.1, NM_001406692.1 and 6 more transcripts); c.1076T>A, p.Ile359Lys (NM_001406698.1); and 3 more; short protein forms I856K, I889K, I904K, I445K, I693K, I739K, I844K, I923K.
Identifiers: ClinVar variation 2160821 (VCV002160821.4), dbSNP rs796053491, ClinGen allele CA394279323.

ClinVar aggregate classification (germline): Uncertain significance (1 of 4 stars; one submission).

Conditions:
Tuberous sclerosis 2 (TSC2). Identifiers: Orphanet 805, MedGen C1860707, MONDO:0013199, OMIM 613254.

Submission:

Labcorp Genetics (formerly Invitae), Labcorp
Classification: Uncertain significance for Tuberous sclerosis 2. Last evaluated: 2022-04-01. Review status: criteria provided, single submitter. Criteria: Invitae Variant Classification Sherloc (09022015). Collection method: clinical testing. Allele origin: germline.
Comment: In summary, the available evidence is currently insufficient to determine the role of this variant in disease. Therefore, it has been classified as a Variant of Uncertain Significance. Advanced modeling of protein sequence and biophysical properties (such as structural, functional, and spatial information, amino acid conservation, physicochemical variation, residue mobility, and thermodynamic stability) performed at Invitae indicates that this missense variant is expected to disrupt TSC2 protein function. This variant has not been reported in the literature in individuals affected with TSC2-related conditions. This variant is not present in population databases (gnomAD no frequency). This sequence change replaces isoleucine, which is neutral and non-polar, with lysine, which is basic and polar, at codon 893 of the TSC2 protein (p.Ile893Lys).